The following is an entry in ClinVar:

ClinVar aggregate classification (germline): Uncertain significance (1 of 4 stars; one submission).

gnomAD v4.1: 15 of 1,614,214 alleles (0.00093%); highest among the groups gnomAD compares: South Asian, 0.0066%; no homozygotes.

Submission:

GeneDx
Classification: Uncertain significance. Last evaluated: 2025-07-10. Review status: criteria provided, single submitter. Criteria: GeneDx Variant Classification Process June 2021. Collection method: clinical testing. Allele origin: germline. Affected: yes.
Comment: In silico analysis suggests that this missense variant does not alter protein structure/function; Has not been previously published as pathogenic or benign to our knowledge

NM_001102416.3(KNG1):c.1339C>T (p.His447Tyr)

Gene: KNG1 (kininogen 1; plus strand). Cytogenetic location: 3q27.3.
Variant type: single nucleotide variant.
Coding change: c.1339C>T on transcript NM_001102416.3 (MANE Select); coding-DNA position 1339, C replaced by T.
Protein change: p.His447Tyr; replaces histidine 447 with tyrosine.
Molecular consequence: missense variant. On other transcripts: intron variant (2).
Genome position (GRCh38, 1-based): chr3:186,741,735, C>T. VCF-style: chr3-186741735-C-T. GRCh37 (hg19) VCF-style: chr3-186459524-C-T.
Other names: c.1203+136C>T (NM_000893.4); c.1095+136C>T (NM_001166451.2); short protein forms H447Y.
Identifiers: ClinVar variation 4685017 (VCV004685017.1).
Genomic context (GRCh38, chr3:186,741,735, plus strand): 5'-CGTAGACATGACTGGGGCCATGAAAAACAAAGAAAACATAATCTTGGCCATGGCCATAAA[C>T]ATGAACGTGACCAAGGGCATGGGCACCAAAGAGGACATGGCCTTGGCCATGGACACGAAC-3'
Protein context (NP_001095886.1, residues 437-457): RKHNLGHGHK[His447Tyr]ERDQGHGHQR